The following is an entry in ClinVar:

ClinVar aggregate classification (germline): Likely benign. Review status: criteria provided, multiple submitters, no conflicts (2 of 4 stars). 2 submissions from 2 submitters: Likely benign (2). Last evaluated 2026-05-14.

Conditions:
CCT2-related condition.

Allele frequency attached by ClinVar (database versions not stated): gnomAD exomes 0.00007 and 0.00010; ExAC 0.00008; ESP Exome Variant Server 0.00008; TOPMed 0.00011; gnomAD 0.00012 and 0.00013.
gnomAD v4.1: 156 of 1,613,476 alleles (0.0097%); highest among the groups gnomAD compares: Non-Finnish European, 0.01%; no homozygotes.

Submissions (2):

PreventionGenetics, part of Exact Sciences
Classification: Likely benign for CCT2-related condition. Last evaluated: 2026-05-14. Review status: criteria provided, single submitter. Criteria: ACMG Guidelines, 2015. Collection method: clinical testing. Allele origin: germline.
Comment: This variant is classified as likely benign based on ACMG/AMP sequence variant interpretation guidelines (Richards et al. 2015 PMID: 25741868, with internal and published modifications).

Labcorp Genetics (formerly Invitae), Labcorp
Classification: Likely benign. Last evaluated: 2025-10-02. Review status: criteria provided, single submitter. Criteria: Invitae Variant Classification Sherloc (09022015). Collection method: clinical testing. Allele origin: germline.

NM_006431.3(CCT2):c.294C>T (p.Gly98=)

Gene: CCT2 (chaperonin containing TCP1 subunit 2; plus strand). Cytogenetic location: 12q15.
Variant type: single nucleotide variant.
Coding change: c.294C>T on transcript NM_006431.3 (MANE Select); coding-DNA position 294, C replaced by T.
Protein change: p.Gly98=; no amino-acid change (glycine 98 retained).
Molecular consequence: synonymous variant.
Genome position (GRCh38, 1-based): chr12:69,587,967, C>T. VCF-style: chr12-69587967-C-T. GRCh37 (hg19) VCF-style: chr12-69981747-C-T.
Other names: c.294C>T (NM_006431.2); c.153C>T, p.Gly51= (NM_001198842.2).
Identifiers: ClinVar variation 1119800 (VCV001119800.10), dbSNP rs138908754, ClinGen allele CA6680529.
Genomic context (GRCh38, chr12:69,587,967, plus strand): 5'-TAATAACTAATTTCTTTTTCTAGATATGTCAAGGGTTCAAGATGATGAAGTTGGTGATGG[C>T]ACTACCTCTGTTACCGTTTTAGCAGCAGAATTATTAAGGGTAAGAGCAACTAAGCAACTC-3'
Protein context (NP_006422.1, residues 88-108): SRVQDDEVGD[Gly98=]TTSVTVLAAE